The following is an entry in ClinVar:

NM_006206.6(PDGFRA):c.1279T>G (p.Ser427Ala)

Gene: PDGFRA (platelet derived growth factor receptor alpha; plus strand). Cytogenetic location: 4q12.
Variant type: single nucleotide variant.
Coding change: c.1279T>G on transcript NM_006206.6 (MANE Select); coding-DNA position 1279, T replaced by G.
Protein change: p.Ser427Ala; replaces serine 427 with alanine.
Molecular consequence: missense variant.
Genome position (GRCh38, 1-based): chr4:54,272,435, T>G. VCF-style: chr4-54272435-T-G. GRCh37 (hg19) VCF-style: chr4-55138602-T-G.
Other names: c.1279T>G, p.Ser427Ala (NM_001347827.2, NM_001347829.2); c.1354T>G, p.Ser452Ala (NM_001347828.2); c.1318T>G, p.Ser440Ala (NM_001347830.2); short protein forms S427A, S440A, S452A.
Identifiers: ClinVar variation 2587730 (VCV002587730.2), dbSNP rs1723452992, ClinGen allele CA356892223.

ClinVar aggregate classification (germline): Uncertain significance (1 of 4 stars; one submission).

Conditions:
Hereditary cancer-predisposing syndrome. Also called: Tumor predisposition; Hereditary Cancer Syndrome; Hereditary neoplastic syndrome; Neoplastic Syndromes, Hereditary. Identifiers: Orphanet 140162, MedGen C0027672, MeSH D009386, MONDO:0015356.

Submission:

Ambry Genetics
Classification: Uncertain significance for Hereditary cancer-predisposing syndrome. Last evaluated: 2023-08-31. Review status: criteria provided, single submitter. Criteria: Ambry Variant Classification Scheme 2023. Collection method: clinical testing. Allele origin: germline.
Comment: The p.S427A variant (also known as c.1279T>G), located in coding exon 8 of the PDGFRA gene, results from a T to G substitution at nucleotide position 1279. The serine at codon 427 is replaced by alanine, an amino acid with similar properties. This amino acid position is conserved. In addition, this alteration is predicted to be tolerated by in silico analysis. Since supporting evidence is limited at this time, the clinical significance of this alteration remains unclear.